The following is an entry in ClinVar:

NM_022124.6(CDH23):c.4422C>A (p.Asp1474Glu)

Gene: CDH23 (cadherin related 23; plus strand). Cytogenetic location: 10q22.1.
Variant type: single nucleotide variant.
Coding change: c.4422C>A on transcript NM_022124.6 (MANE Select); coding-DNA position 4422, C replaced by A.
Protein change: p.Asp1474Glu; replaces aspartic acid 1474 with glutamic acid.
Molecular consequence: missense variant.
Genome position (GRCh38, 1-based): chr10:71,739,706, C>A. VCF-style: chr10-71739706-C-A. GRCh37 (hg19) VCF-style: chr10-73499463-C-A.
Other names: short protein forms D1474E.
Identifiers: ClinVar variation 4537526 (VCV004537526.1).

ClinVar aggregate classification (germline): Uncertain significance (1 of 4 stars; one submission).

gnomAD v4.1: 2 of 1,613,394 alleles (0.00012%); highest among the groups gnomAD compares: East Asian, 0.0022%; no homozygotes.

Submission:

GeneDx
Classification: Uncertain significance. Last evaluated: 2025-06-13. Review status: criteria provided, single submitter. Criteria: GeneDx Variant Classification Process June 2021. Collection method: clinical testing. Allele origin: germline. Affected: yes.
Comment: Not observed at significant frequency in large population cohorts (gnomAD); In silico analysis supports that this missense variant has a deleterious effect on protein structure/function; Has not been previously published as pathogenic or benign to our knowledge